The following is an entry in ClinVar:

ClinVar aggregate classification (germline): Pathogenic (1 of 4 stars; one submission).

Submission:

Labcorp Genetics (formerly Invitae), Labcorp
Classification: Pathogenic. Last evaluated: 2023-07-07. Review status: criteria provided, single submitter. Criteria: Invitae Variant Classification Sherloc (09022015). Collection method: clinical testing. Allele origin: germline.
Comment: This variant has not been reported in the literature in individuals affected with CHRNG-related conditions. This variant is not present in population databases (gnomAD no frequency). This sequence change creates a premature translational stop signal (p.Trp403*) in the CHRNG gene. It is expected to result in an absent or disrupted protein product. Loss-of-function variants in CHRNG are known to be pathogenic (PMID: 16826520). For these reasons, this variant has been classified as Pathogenic.

Literature cited by the submitters: PubMed 16826520.

NM_005199.5(CHRNG):c.1190_1208dup (p.Trp403Ter)

Genes: CHRNG (cholinergic receptor nicotinic gamma subunit; plus strand), TIGD1 (tigger transposable element derived 1; minus strand). Cytogenetic location: 2q37.1.
Variant type: Duplication.
Coding change: c.1190_1208dup on transcript NM_005199.5 (MANE Select); coding-DNA positions 1190 to 1208, 19 bases duplicated (AACTCCTCTTCCAGCAGTG).
Protein change: p.Trp403Ter; replaces tryptophan 403 with a stop codon.
Molecular consequence: nonsense. On other transcripts: 3 prime UTR variant (1).
Genome position (GRCh38, 1-based): chr2:232,544,521-232,544,539, AACTCCTCTTCCAGCAGTG duplicated; duplicating any 19 consecutive bases within chr2:232,544,515-232,544,539 gives the same sequence; the c. name uses the placement nearest the transcript's 3' end. VCF-style (leftmost placement, unchanged base first): chr2-232544514-C-CGCAGTGAACTCCTCTTCCA. GRCh37 (hg19) VCF-style: chr2-233409224-C-CGCAGTGAACTCCTCTTCCA.
Other names: c.*3574_*3592dup (NM_145702.4); short protein forms W403*.
Identifiers: ClinVar variation 2736962 (VCV002736962.3), dbSNP rs2469754940, ClinGen allele CA2697550600.